The following is an entry in ClinVar:

NM_017636.4(TRPM4):c.3260T>C (p.Leu1087Pro)

Gene: TRPM4 (transient receptor potential cation channel subfamily M member 4; plus strand). Cytogenetic location: 19q13.33.
Variant type: single nucleotide variant.
Coding change: c.3260T>C on transcript NM_017636.4 (MANE Select); coding-DNA position 3260, T replaced by C.
Protein change: p.Leu1087Pro; replaces leucine 1087 with proline.
Molecular consequence: missense variant.
Genome position (GRCh38, 1-based): chr19:49,210,337, T>C. VCF-style: chr19-49210337-T-C. GRCh37 (hg19) VCF-style: chr19-49713594-T-C.
Other names: c.2825T>C, p.Leu942Pro (NM_001195227.2); c.2915T>C, p.Leu972Pro (NM_001321281.2); c.1652T>C, p.Leu551Pro (NM_001321282.2); c.2738T>C, p.Leu913Pro (NM_001321283.2); c.2198T>C, p.Leu733Pro (NM_001321285.2); short protein forms L1087P, L551P, L972P, L733P, L913P, L942P.
Identifiers: ClinVar variation 518832 (VCV000518832.7), dbSNP rs756423415, ClinGen allele CA9569832.
Genomic context (GRCh38, chr19:49,210,337, plus strand): 5'-GGGAATTCCACTCTCGGCCCGCGCTGGCCCCGCCCTTTATCGTCATCTCCCACTTGCGCC[T>C]CCTGCTCAGGCAATTGTGCAGGCGACCCCGGAGCCCCCAGCCGTCCTCCCCGGCCCTCGA-3'
Protein context (NP_060106.2, residues 1077-1097): PPFIVISHLR[Leu1087Pro]LLRQLCRRPR

ClinVar aggregate classification (germline): Uncertain significance. Review status: criteria provided, multiple submitters, no conflicts (2 of 4 stars). 2 submissions from 2 submitters: Uncertain significance (2). Last evaluated 2025-05-14.

Conditions:
Cardiovascular phenotype. Identifiers: MedGen CN230736.
Progressive familial heart block type IB (PFHB1B). Identifiers: Orphanet 871, MedGen C1970298, MONDO:0011474, OMIM 604559.

Allele frequency attached by ClinVar (database versions not stated): gnomAD exomes below 0.00001; ExAC 0.00001.
gnomAD v4.1: 3 of 1,614,162 alleles (0.00019%); highest among the groups gnomAD compares: Non-Finnish European, 0.00025%; no homozygotes.

Submissions (2):

Labcorp Genetics (formerly Invitae), Labcorp
Classification: Uncertain significance for Progressive familial heart block type IB. Last evaluated: 2025-05-14. Review status: criteria provided, single submitter. Criteria: Invitae Variant Classification Sherloc (09022015). Collection method: clinical testing. Allele origin: germline.
Comment: This sequence change replaces leucine, which is neutral and non-polar, with proline, which is neutral and non-polar, at codon 1087 of the TRPM4 protein (p.Leu1087Pro). This variant is present in population databases (rs756423415, gnomAD 0.0009%). This variant has not been reported in the literature in individuals affected with TRPM4-related conditions. ClinVar contains an entry for this variant (Variation ID: 518832). An algorithm developed to predict the effect of missense changes on protein structure and function (PolyPhen-2) suggests that this variant is likely to be disruptive. In summary, the available evidence is currently insufficient to determine the role of this variant in disease. Therefore, it has been classified as a Variant of Uncertain Significance.

Ambry Genetics
Classification: Uncertain significance for Cardiovascular phenotype. Last evaluated: 2016-11-23. Review status: criteria provided, single submitter. Criteria: Ambry Variant Classification Scheme 2023. Collection method: clinical testing. Allele origin: germline.
Comment: The p.L1087P variant (also known as c.3260T>C), located in coding exon 21 of the TRPM4 gene, results from a T to C substitution at nucleotide position 3260. The leucine at codon 1087 is replaced by proline, an amino acid with some similar properties. Based on data from ExAC, the C allele has an overall frequency of <0.01% (1/106020). This amino acid position is well conserved in available vertebrate species. In addition, the in silico prediction for this alteration is inconclusive. Since supporting evidence is limited at this time, the clinical significance of this alteration remains unclear.